The following is an entry in ClinVar:

NM_030665.4(RAI1):c.4884del (p.Ser1629fs)

Gene: RAI1 (retinoic acid induced 1; plus strand). Cytogenetic location: 17p11.2.
Variant type: Deletion.
Coding change: c.4884del on transcript NM_030665.4 (MANE Select); coding-DNA position 4884, one base deleted (C; older notation c.4884delC).
Protein change: p.Ser1629fs; shifts the reading frame from serine 1629.
Molecular consequence: frameshift variant.
Genome position (GRCh38, 1-based): chr17:17,797,832, C deleted; the last of 2 consecutive C bases (chr17:17,797,831-17,797,832); deleting either gives the same sequence. VCF-style (leftmost placement, unchanged base first): chr17-17797830-TC-T. GRCh37 (hg19) VCF-style: chr17-17701144-TC-T.
Other names: short protein forms S1629fs.
Identifiers: ClinVar variation 524028 (VCV000524028.2), dbSNP rs1555566124, ClinGen allele CA658798722.

ClinVar aggregate classification (germline): Pathogenic (1 of 4 stars; one submission).

Submission:

GeneDx
Classification: Pathogenic. Last evaluated: 2018-03-29. Review status: criteria provided, single submitter. Criteria: GeneDx Variant Classification (06012015). Collection method: clinical testing. Allele origin: germline. Affected: yes.
Comment: The c.4884delC variant in the RAI1 gene has not been reported previously as a pathogenic variant nor as a benignvariant, to our knowledge. The c.4884delC variant causes a frameshift starting with codon Serine 1629, changes thisamino acid to a Proline residue, and creates a premature Stop codon at position 52 of the new reading frame, denotedp.Ser1629ProfsX52. This variant is predicted to cause loss of normal protein function either through proteintruncation or nonsense-mediated mRNA decay. The c.4884delC variant is not observed in large population cohorts(Lek et al., 2016). We interpret c.4884delC as a pathogenic variant.